The following is an entry in ClinVar:

NM_007198.4(PLPBP):c.119C>T (p.Pro40Leu)

Gene: PLPBP (pyridoxal phosphate binding protein; plus strand). Cytogenetic location: 8p11.23.
Variant type: single nucleotide variant.
Coding change: c.119C>T on transcript NM_007198.4 (MANE Select); coding-DNA position 119, C replaced by T.
Protein change: p.Pro40Leu; replaces proline 40 with leucine.
Molecular consequence: missense variant. On other transcripts: 5 prime UTR variant (1).
Genome position (GRCh38, 1-based): chr8:37,765,545, C>T. VCF-style: chr8-37765545-C-T. GRCh37 (hg19) VCF-style: chr8-37623063-C-T.
Other names: c.119C>T, p.Pro40Leu (NM_001349346.2, NM_001349347.2); c.-38C>T (NM_001349348.2); c.224C>T, p.Pro75Leu (NM_001349349.1); short protein forms P75L, P40L.
Identifiers: ClinVar variation 2136655 (VCV002136655.4), dbSNP rs372260705, ClinGen allele CA4711134.

ClinVar aggregate classification (germline): Uncertain significance (1 of 4 stars; one submission).

Allele frequency attached by ClinVar (database versions not stated): ExAC 0.00002; gnomAD 0.00002; gnomAD exomes 0.00002; TOPMed 0.00002; ESP Exome Variant Server 0.00008.
gnomAD v4.1: 33 of 1,613,906 alleles (0.002%); highest among the groups gnomAD compares: Non-Finnish European, 0.0025%; no homozygotes.

Submission:

Labcorp Genetics (formerly Invitae), Labcorp
Classification: Uncertain significance. Last evaluated: 2025-02-03. Review status: criteria provided, single submitter. Criteria: Invitae Variant Classification Sherloc (09022015). Collection method: clinical testing. Allele origin: germline.
Comment: This sequence change replaces proline, which is neutral and non-polar, with leucine, which is neutral and non-polar, at codon 40 of the PROSC protein (p.Pro40Leu). This variant is present in population databases (rs372260705, gnomAD 0.006%). This missense change has been observed in individual(s) with pyridoxine-dependent epilepsy (PMID: 28391250, 31737911). ClinVar contains an entry for this variant (Variation ID: 2136655). Invitae Evidence Modeling of protein sequence and biophysical properties (such as structural, functional, and spatial information, amino acid conservation, physicochemical variation, residue mobility, and thermodynamic stability) indicates that this missense variant is not expected to disrupt PROSC protein function with a negative predictive value of 80%. Experimental studies have shown that this missense change affects PROSC function (PMID: 29689137). In summary, the available evidence is currently insufficient to determine the role of this variant in disease. Therefore, it has been classified as a Variant of Uncertain Significance.

Literature cited by the submitters: PubMed 28391250; PubMed 31737911; PubMed 29689137.